The following is an entry in ClinVar:

NM_000069.3(CACNA1S):c.1562C>A (p.Pro521His)

Gene: CACNA1S (calcium voltage-gated channel subunit alpha1 S; minus strand). Cytogenetic location: 1q32.1.
Variant type: single nucleotide variant.
Coding change: c.1562C>A on transcript NM_000069.3 (MANE Select); coding-DNA position 1562, C replaced by A.
Protein change: p.Pro521His; replaces proline 521 with histidine.
Molecular consequence: missense variant.
Genome position (GRCh38, 1-based): chr1:201,077,936, G>T on the plus strand (C>A on the coding strand, the complement: CACNA1S is on the minus strand). VCF-style: chr1-201077936-G-T. GRCh37 (hg19) VCF-style: chr1-201047064-G-T.
Other names: short protein forms P521H.
Identifiers: ClinVar variation 4757165 (VCV004757165.1).

ClinVar aggregate classification (germline): Uncertain significance (1 of 4 stars; one submission).

Conditions:
Malignant hyperthermia, susceptibility to, 5 (MHS5). Also called: CACNA1S-Related Malignant Hyperthermia Susceptibility. Identifiers: Orphanet 423, MedGen C1866077, MONDO:0011163, OMIM 601887.

Submission:

Color Diagnostics, LLC DBA Color Health
Classification: Uncertain significance for Malignant hyperthermia, susceptibility to, 5. Last evaluated: 2025-06-23. Review status: criteria provided, single submitter. Criteria: ACMG Guidelines, 2015. Collection method: clinical testing. Allele origin: germline.
Comment: This missense variant replaces proline with histidine at codon 521 of the CACNA1S protein. Computational prediction suggests that this variant may have deleterious impact on protein structure and function. To our knowledge, functional studies have not been reported for this variant. This variant has not been reported in individuals affected with CACNA1S-related disorders in the literature. This variant has been identified in 1/31390 chromosomes in the general population by the Genome Aggregation Database (gnomAD). The available evidence is insufficient to determine the role of this variant in disease conclusively. Therefore, this variant is classified as a Variant of Uncertain Significance.